The following is an entry in ClinVar:

NM_004329.3(BMPR1A):c.334-12C>T

Gene: BMPR1A (bone morphogenetic protein receptor type 1A; plus strand). Cytogenetic location: 10q23.2.
Variant type: single nucleotide variant.
Coding change: c.334-12C>T on transcript NM_004329.3 (MANE Select); 12 bases into the intron before coding-DNA position 334, C replaced by T.
Molecular consequence: intron variant.
Genome position (GRCh38, 1-based): chr10:86,899,782, C>T. VCF-style: chr10-86899782-C-T. GRCh37 (hg19) VCF-style: chr10-88659539-C-T.
Other names: c.334-12C>T (NM_001406562.1, NM_001406568.1, NM_001406567.1 and 22 more transcripts); c.250-12C>T (NM_001406584.1, NM_001406588.1, NM_001406587.1 and 2 more transcripts); c.333+7553C>T (NM_001406589.1).
Identifiers: ClinVar variation 3378780 (VCV003378780.1).

ClinVar aggregate classification (germline): Likely benign (1 of 4 stars; one submission).

Conditions:
Juvenile polyposis syndrome (JPS). Identifiers: Orphanet 2929, MedGen C0345893, MONDO:0017380, OMIM 174900.

Submission:

Myriad Genetics, Inc.
Classification: Likely benign for Juvenile polyposis syndrome. Last evaluated: 2024-07-31. Review status: criteria provided, single submitter. Criteria: Myriad Autosomal Dominant, Autosomal Recessive and X-Linked Classification Criteria (2023). Collection method: clinical testing. Allele origin: unknown.
Comment: This variant is considered likely benign. This variant is intronic and is not expected to impact mRNA splicing.